The following is an entry in ClinVar:

ClinVar aggregate classification (germline): Uncertain significance. Review status: criteria provided, multiple submitters, no conflicts (2 of 4 stars). 6 submissions from 6 submitters: Uncertain significance (6). Last evaluated 2024-06-13.

Conditions:
Multiple epiphyseal dysplasia, Al-Gazali type. Also called: Macrocephaly with multiple epiphyseal dysplasia and distinctive facies. Identifiers: Orphanet 166024, MedGen C1846722, MONDO:0011778, OMIM 607131.
Acrocallosal syndrome (ACLS). Also called: HALLUX DUPLICATION, POSTAXIAL POLYDACTYLY, AND ABSENCE OF CORPUS CALLOSUM; Schinzel syndrome 1; Absence of corpus callosum with unusual facial appearance, mental deficiency, duplication of the halluces and polydactyly. Identifiers: Orphanet 36, MedGen C0796147, MONDO:0008708, OMIM 200990.
Hydrolethalus syndrome 2 (HLS2). Identifiers: Orphanet 2189, MedGen C3279899, MONDO:0013585, OMIM 614120.
Inborn genetic diseases. Identifiers: MedGen C0950123, MeSH D030342.

Allele frequency attached by ClinVar (database versions not stated): 1000 Genomes Project 0.00020; ESP Exome Variant Server 0.00023; TOPMed 0.00035; 1000 Genomes Project 30x 0.00062.
gnomAD v4.1: 104 of 1,555,632 alleles (0.0067%); highest among the groups gnomAD compares: African/African-American, 0.11%; no homozygotes.

Submissions (6):

Fulgent Genetics
Classification: Uncertain significance for Acrocallosal syndrome; Multiple epiphyseal dysplasia, Al-Gazali type; Hydrolethalus syndrome 2. Last evaluated: 2024-06-13. Review status: criteria provided, single submitter. Criteria: ACMG Guidelines, 2015. Collection method: clinical testing. Allele origin: germline.

Ambry Genetics
Classification: Uncertain significance for Inborn genetic diseases. Last evaluated: 2024-05-30. Review status: criteria provided, single submitter. Criteria: Ambry Variant Classification Scheme 2023. Collection method: clinical testing. Allele origin: germline.

GeneDx
Classification: Uncertain significance. Last evaluated: 2023-07-12. Review status: criteria provided, single submitter. Criteria: GeneDx Variant Classification Process June 2021. Collection method: clinical testing. Allele origin: germline. Affected: yes.
Comment: In silico analysis supports that this missense variant has a deleterious effect on protein structure/function; Has not been previously published as pathogenic or benign to our knowledge

Labcorp Genetics (formerly Invitae), Labcorp
Classification: Uncertain significance for Acrocallosal syndrome. Last evaluated: 2022-10-13. Review status: criteria provided, single submitter. Criteria: Invitae Variant Classification Sherloc (09022015). Collection method: clinical testing. Allele origin: germline.
Comment: This sequence change replaces arginine, which is basic and polar, with glycine, which is neutral and non-polar, at codon 973 of the KIF7 protein (p.Arg973Gly). This variant is present in population databases (rs202229910, gnomAD 0.08%). This variant has not been reported in the literature in individuals affected with KIF7-related conditions. ClinVar contains an entry for this variant (Variation ID: 288336). Advanced modeling of protein sequence and biophysical properties (such as structural, functional, and spatial information, amino acid conservation, physicochemical variation, residue mobility, and thermodynamic stability) performed at Invitae indicates that this missense variant is not expected to disrupt KIF7 protein function. In summary, the available evidence is currently insufficient to determine the role of this variant in disease. Therefore, it has been classified as a Variant of Uncertain Significance.

Eurofins Ntd Llc (ga)
Classification: Uncertain significance. Last evaluated: 2016-07-05. Review status: criteria provided, single submitter. Criteria: EGL Classification Definitions 2015. Collection method: clinical testing. Allele origin: germline. Observed: 1 variant allele, 1 heterozygote.

Breakthrough Genomics
Classification: Uncertain significance. Review status: criteria provided, single submitter. Criteria: ACMG Guidelines, 2015. Collection method: not provided. Allele origin: germline. Inheritance: Autosomal recessive inheritance. Affected: yes.

NM_198525.3(KIF7):c.2917C>G (p.Arg973Gly)

Gene: KIF7 (kinesin family member 7; minus strand). Cytogenetic location: 15q26.1.
Variant type: single nucleotide variant.
Coding change: c.2917C>G on transcript NM_198525.3 (MANE Select); coding-DNA position 2917, C replaced by G.
Protein change: p.Arg973Gly; replaces arginine 973 with glycine.
Molecular consequence: missense variant.
Genome position (GRCh38, 1-based): chr15:89,631,689, G>C on the plus strand (C>G on the coding strand, the complement: KIF7 is on the minus strand). VCF-style: chr15-89631689-G-C. GRCh37 (hg19) VCF-style: chr15-90174920-G-C.
Other names: short protein forms R973G.
Identifiers: ClinVar variation 288336 (VCV000288336.14), dbSNP rs202229910, ClinGen allele CA7727882.